The following is an entry in ClinVar:

ClinVar aggregate classification (germline): Benign/Likely benign. Review status: criteria provided, multiple submitters, no conflicts (2 of 4 stars). 4 submissions from 4 submitters: Benign (1); Likely benign (3). Last evaluated 2026-05-20.

Conditions:
Hereditary cancer-predisposing syndrome. Also called: Hereditary Cancer Syndrome; Hereditary neoplastic syndrome; Neoplastic Syndromes, Hereditary; Tumor predisposition. Identifiers: Orphanet 140162, MedGen C0027672, MeSH D009386, MONDO:0015356.
Cardiovascular phenotype. Identifiers: MedGen CN230736.
Neurofibromatosis, type 1 (NF1). Also called: Neurofibromatosis, type I; VON RECKLINGHAUSEN DISEASE; NEUROFIBROMATOSIS, TYPE I, SOMATIC; Peripheral type neurofibromatosis. Identifiers: Orphanet 636, MedGen C0027831, MONDO:0018975, OMIM 162200. Disease mechanism: loss of function.

Allele frequency attached by ClinVar (database versions not stated): TOPMed 0.00001; gnomAD exomes below 0.00001; ExAC 0.00001.
gnomAD v4.1: 4 of 1,614,224 alleles (0.00025%); highest among the groups gnomAD compares: Admixed American, 0.0033%; no homozygotes.

Submissions (4):

Myriad Genetics, Inc.
Classification: Benign for Neurofibromatosis, type 1. Last evaluated: 2026-05-20. Review status: criteria provided, single submitter. Criteria: Myriad Autosomal Dominant, Autosomal Recessive and X-Linked Classification Criteria (2023). Collection method: clinical testing. Allele origin: unknown.
Comment: This variant is considered benign. This variant is a silent/synonymous amino acid change and it is not expected to impact splicing.

Labcorp Genetics (formerly Invitae), Labcorp
Classification: Likely benign for Neurofibromatosis, type 1. Last evaluated: 2025-09-01. Review status: criteria provided, single submitter. Criteria: Invitae Variant Classification Sherloc (09022015). Collection method: clinical testing. Allele origin: germline.

Genome-Nilou Lab
Classification: Likely benign for Neurofibromatosis, type 1. Last evaluated: 2022-03-15. Review status: criteria provided, single submitter. Criteria: ACMG Guidelines, 2015. Collection method: clinical testing. Allele origin: germline. Affected: no.

Ambry Genetics
Classification: Likely benign for Cardiovascular phenotype; Hereditary cancer-predisposing syndrome. Last evaluated: 2017-03-06. Review status: criteria provided, single submitter. Criteria: Ambry General Variant Classification Scheme_2022. Collection method: clinical testing. Allele origin: germline. Observed: 1 variant allele.

NM_001042492.3(NF1):c.5328A>G (p.Ser1776=)

Gene: NF1 (neurofibromin 1; plus strand). Cytogenetic location: 17q11.2.
Variant type: single nucleotide variant.
Coding change: c.5328A>G on transcript NM_001042492.3 (MANE Select); coding-DNA position 5328, A replaced by G.
Protein change: p.Ser1776=; no amino-acid change (serine 1776 retained).
Molecular consequence: synonymous variant.
Genome position (GRCh38, 1-based): chr17:31,327,558, A>G. VCF-style: chr17-31327558-A-G. GRCh37 (hg19) VCF-style: chr17-29654576-A-G.
Other names: c.5265A>G, p.Ser1755= (NM_000267.4).
Identifiers: ClinVar variation 701899 (VCV000701899.11), dbSNP rs759639187, ClinGen allele CA8487175.